The following is an entry in ClinVar:

NM_018026.4(PACS1):c.2285C>A (p.Ser762Tyr)

Gene: PACS1 (phosphofurin acidic cluster sorting protein 1; plus strand). Cytogenetic location: 11q13.2.
Variant type: single nucleotide variant.
Coding change: c.2285C>A on transcript NM_018026.4 (MANE Select); coding-DNA position 2285, C replaced by A.
Protein change: p.Ser762Tyr; replaces serine 762 with tyrosine.
Molecular consequence: missense variant.
Genome position (GRCh38, 1-based): chr11:66,238,838, C>A. VCF-style: chr11-66238838-C-A. GRCh37 (hg19) VCF-style: chr11-66006309-C-A.
Other names: short protein forms S762Y.
Identifiers: ClinVar variation 3630024 (VCV003630024.1).

ClinVar aggregate classification (germline): Uncertain significance (1 of 4 stars; one submission).

Submission:

Women's Health and Genetics/Laboratory Corporation of America, LabCorp
Classification: Uncertain significance. Last evaluated: 2024-11-18. Review status: criteria provided, single submitter. Criteria: LabCorp Variant Classification Summary - May 2015. Collection method: clinical testing. Allele origin: germline.
Comment: Variant summary: PACS1 c.2285C>A (p.Ser762Tyr) results in a non-conservative amino acid change in the encoded protein sequence. Four of five in-silico tools predict a damaging effect of the variant on protein function. The variant was absent in 202606 control chromosomes. The available data on variant occurrences in the general population are insufficient to allow any conclusion about variant significance. To our knowledge, no occurrence of c.2285C>A in individuals affected with Schuurs-Hoeijmakers Syndrome and no experimental evidence demonstrating its impact on protein function have been reported. No submitters have cited clinical-significance assessments for this variant to ClinVar. Based on the evidence outlined above, the variant was classified as uncertain significance.